The following is an entry in ClinVar:

ClinVar aggregate classification (germline): Uncertain significance (1 of 4 stars; one submission).

Allele frequency attached by ClinVar (database versions not stated): TOPMed 0.00001; gnomAD exomes 0.00003; gnomAD 0.00001.
gnomAD v4.1: 37 of 1,612,022 alleles (0.0023%); highest among the groups gnomAD compares: Non-Finnish European, 0.0031%; no homozygotes.

Submission:

Labcorp Genetics (formerly Invitae), Labcorp
Classification: Uncertain significance. Last evaluated: 2025-08-11. Review status: criteria provided, single submitter. Criteria: Invitae Variant Classification Sherloc (09022015). Collection method: clinical testing. Allele origin: germline.
Comment: This sequence change creates a premature translational stop signal (p.Tyr675*) in the TRPC3 gene. It is expected to result in an absent or disrupted protein product. However, the current clinical and genetic evidence is not sufficient to establish whether loss-of-function variants in TRPC3 cause disease. This variant is present in population databases (no rsID available, gnomAD 0.003%). This variant has not been reported in the literature in individuals affected with TRPC3-related conditions. ClinVar contains an entry for this variant (Variation ID: 3006486). Algorithms developed to predict the effect of sequence changes on RNA splicing suggest that this variant may disrupt the consensus splice site. In summary, the available evidence is currently insufficient to determine the role of this variant in disease. Therefore, it has been classified as a Variant of Uncertain Significance.

NM_001130698.2(TRPC3):c.2025C>A (p.Tyr675Ter)

Gene: TRPC3 (transient receptor potential cation channel subfamily C member 3; minus strand). Cytogenetic location: 4q27.
Variant type: single nucleotide variant.
Coding change: c.2025C>A on transcript NM_001130698.2 (MANE Select); coding-DNA position 2025, C replaced by A.
Protein change: p.Tyr675Ter; replaces tyrosine 675 with a stop codon.
Molecular consequence: nonsense.
Genome position (GRCh38, 1-based): chr4:121,907,335, G>T on the plus strand (C>A on the coding strand, the complement: TRPC3 is on the minus strand). VCF-style: chr4-121907335-G-T. GRCh37 (hg19) VCF-style: chr4-122828490-G-T.
Other names: c.2025C>A, p.Tyr675Ter (NM_001366479.2); c.1806C>A, p.Tyr602Ter (NM_003305.2); short protein forms Y675*, Y602*.
Identifiers: ClinVar variation 3006486 (VCV003006486.3), dbSNP rs777376339, ClinGen allele CA358054658.
Genomic context (GRCh38, chr4:121,907,335, plus strand): 5'-TACCTGTATAATAAGATATTTTACTTACGTGGTAAAAGCAGCATTAACTTTAGCCCCAAG[G>T]TAGTAAGAATAAAGTATGAACATGCCAATCATAAAGGCAAAAAACACCATAATAAAGAGG-3'